The following is an entry in ClinVar:

NM_000057.4(BLM):c.197A>G (p.Asn66Ser)

Gene: BLM (BLM RecQ like helicase; plus strand). Cytogenetic location: 15q26.1.
Variant type: single nucleotide variant.
Coding change: c.197A>G on transcript NM_000057.4 (MANE Select); coding-DNA position 197, A replaced by G.
Protein change: p.Asn66Ser; replaces asparagine 66 with serine.
Molecular consequence: missense variant. On other transcripts: 5 prime UTR variant (1).
Genome position (GRCh38, 1-based): chr15:90,749,465, A>G. VCF-style: chr15-90749465-A-G. GRCh37 (hg19) VCF-style: chr15-91292695-A-G.
Other names: c.197A>G, p.Asn66Ser (NM_001287246.2, NM_001287247.2); c.-1095A>G (NM_001287248.2); short protein forms N66S.
Identifiers: ClinVar variation 3480841 (VCV003480841.3).

ClinVar aggregate classification (germline): Uncertain significance. Review status: criteria provided, multiple submitters, no conflicts (2 of 4 stars). 2 submissions from 2 submitters: Uncertain significance (2). Last evaluated 2024-08-26.

Conditions:
Hereditary cancer-predisposing syndrome. Also called: Tumor predisposition; Neoplastic Syndromes, Hereditary; Hereditary Cancer Syndrome; Hereditary neoplastic syndrome. Identifiers: Orphanet 140162, MedGen C0027672, MeSH D009386, MONDO:0015356.
Bloom syndrome (BLM). Also called: Bloom-Torre-Machacek syndrome. Identifiers: Orphanet 125, MedGen C0005859, MONDO:0008876, OMIM 210900.

Submissions (2):

Ambry Genetics
Classification: Uncertain significance for Hereditary cancer-predisposing syndrome. Last evaluated: 2024-08-26. Review status: criteria provided, single submitter. Criteria: Ambry Variant Classification Scheme 2023. Collection method: clinical testing. Allele origin: germline.
Comment: The p.N66S variant (also known as c.197A>G), located in coding exon 2 of the BLM gene, results from an A to G substitution at nucleotide position 197. The asparagine at codon 66 is replaced by serine, an amino acid with highly similar properties. This amino acid position is conserved. In addition, this alteration is predicted to be tolerated by in silico analysis. Based on the available evidence, the clinical significance of this variant remains unclear.

Labcorp Genetics (formerly Invitae), Labcorp
Classification: Uncertain significance for Bloom syndrome. Last evaluated: 2024-07-17. Review status: criteria provided, single submitter. Criteria: Invitae Variant Classification Sherloc (09022015). Collection method: clinical testing. Allele origin: germline.
Comment: This sequence change replaces asparagine, which is neutral and polar, with serine, which is neutral and polar, at codon 66 of the BLM protein (p.Asn66Ser). This variant is not present in population databases (gnomAD no frequency). This variant has not been reported in the literature in individuals affected with BLM-related conditions. An algorithm developed to predict the effect of missense changes on protein structure and function (PolyPhen-2) suggests that this variant is likely to be tolerated. In summary, the available evidence is currently insufficient to determine the role of this variant in disease. Therefore, it has been classified as a Variant of Uncertain Significance.